The following is an entry in ClinVar:

ClinVar aggregate classification (germline): Uncertain significance (1 of 4 stars; one submission).

Conditions:
H syndrome. Also called: Pigmented hypertrichosis and insulin-dependent diabetes mellitus; Histiocytosis with joint contractures and sensorineural deafness; FAISALABAD HISTIOCYTOSIS; HISTIOCYTOSIS AND LYMPHADENOPATHY WITH OR WITHOUT CUTANEOUS, CARDIAC, AND/OR ENDOCRINE FEATURES, JOINT CONTRACTURES, AND/OR DEAFNESS; HYPERPIGMENTATION, CUTANEOUS, WITH HYPERTRICHOSIS, HEPATOSPLENOMEGALY, HEART ANOMALIES, AND HYPOGONADISM WITH OR WITHOUT HEARING LOSS; PIGMENTED HYPERTRICHOSIS WITH INSULIN-DEPENDENT DIABETES MELLITUS. Identifiers: Orphanet 168569, MedGen C1864445, MONDO:0011273, OMIM 602782.

gnomAD v4.1: 10 of 1,614,148 alleles (0.00062%); highest among the groups gnomAD compares: Non-Finnish European, 0.00085%; no homozygotes.

Submission:

Labcorp Genetics (formerly Invitae), Labcorp
Classification: Uncertain significance for H syndrome. Last evaluated: 2018-09-20. Review status: criteria provided, single submitter. Criteria: Invitae Variant Classification Sherloc (09022015). Collection method: clinical testing. Allele origin: germline.
Comment: In summary, the available evidence is currently insufficient to determine the role of this variant in disease. Therefore, it has been classified as a Variant of Uncertain Significance. Algorithms developed to predict the effect of missense changes on protein structure and function are either unavailable or do not agree on the potential impact of this missense change (SIFT: "Tolerated"; PolyPhen-2: "Probably Damaging"; Align-GVGD: "Class C0"). This variant has not been reported in the literature in individuals with SLC29A3-related disease. This variant is present in population databases (rs752487563, ExAC 0.001%). This sequence change replaces valine with methionine at codon 173 of the SLC29A3 protein (p.Val173Met). The valine residue is weakly conserved and there is a small physicochemical difference between valine and methionine.

NM_018344.6(SLC29A3):c.517G>A (p.Val173Met)

Gene: SLC29A3 (solute carrier family 29 member 3; plus strand). Cytogenetic location: 10q22.1.
Variant type: single nucleotide variant.
Coding change: c.517G>A on transcript NM_018344.6 (MANE Select); coding-DNA position 517, G replaced by A.
Protein change: p.Val173Met; replaces valine 173 with methionine.
Molecular consequence: missense variant. On other transcripts: non-coding transcript variant (1).
Genome position (GRCh38, 1-based): chr10:71,351,695, G>A. VCF-style: chr10-71351695-G-A. GRCh37 (hg19) VCF-style: chr10-73111452-G-A.
Other names: c.517G>A, p.Val173Met (NM_001174098.2); c.283G>A, p.Val95Met (NM_001363518.2); short protein forms V95M, V173M.
Identifiers: ClinVar variation 654748 (VCV000654748.8), dbSNP rs752487563, ClinGen allele CA5542953.